The following is an entry in ClinVar:

ClinVar aggregate classification (germline): Conflicting classifications of pathogenicity. Review status: criteria provided, conflicting classifications (1 of 4 stars). 3 submissions from 3 submitters: Uncertain significance (2); Benign (1). Last evaluated 2025-02-19.

Conditions:
Hereditary cancer-predisposing syndrome. Also called: Hereditary Cancer Syndrome; Tumor predisposition; Neoplastic Syndromes, Hereditary; Hereditary neoplastic syndrome. Identifiers: Orphanet 140162, MedGen C0027672, MeSH D009386, MONDO:0015356.
Tuberous sclerosis 2 (TSC2). Identifiers: Orphanet 805, MedGen C1860707, MONDO:0013199, OMIM 613254.

Allele frequency attached by ClinVar (database versions not stated): gnomAD exomes below 0.00001.
gnomAD v4.1: 1 of 1,613,058 alleles (0.000062%); highest among the groups gnomAD compares: Non-Finnish European, 0.000085%; no homozygotes.

Submissions (3):

Labcorp Genetics (formerly Invitae), Labcorp
Classification: Benign for Tuberous sclerosis 2. Last evaluated: 2025-02-19. Review status: criteria provided, single submitter. Criteria: Invitae Variant Classification Sherloc (09022015). Collection method: clinical testing. Allele origin: germline.

Ambry Genetics
Classification: Uncertain significance for Hereditary cancer-predisposing syndrome. Last evaluated: 2024-09-27. Review status: criteria provided, single submitter. Criteria: Ambry Variant Classification Scheme 2023. Collection method: clinical testing. Allele origin: germline.
Comment: The p.S1014G variant (also known as c.3040A>G), located in coding exon 26 of the TSC2 gene, results from an A to G substitution at nucleotide position 3040. The serine at codon 1014 is replaced by glycine, an amino acid with similar properties. This amino acid position is conserved. In addition, the in silico prediction for this alteration is inconclusive. Based on the available evidence, the clinical significance of this variant remains unclear.

CeGaT Center for Human Genetics Tuebingen
Classification: Uncertain significance. Last evaluated: 2022-07-01. Review status: criteria provided, single submitter. Criteria: CeGaT Center For Human Genetics Tuebingen Variant Classification Criteria Version 2. Collection method: clinical testing. Allele origin: germline. Affected: yes. Observed: 2 variant alleles.
Comment: TSC2: PM2, BP4

NM_000548.5(TSC2):c.3040A>G (p.Ser1014Gly)

Gene: TSC2 (TSC complex subunit 2; plus strand). Cytogenetic location: 16p13.3.
Variant type: single nucleotide variant.
Coding change: c.3040A>G on transcript NM_000548.5 (MANE Select); coding-DNA position 3040, A replaced by G.
Protein change: p.Ser1014Gly; replaces serine 1014 with glycine.
Molecular consequence: missense variant.
Genome position (GRCh38, 1-based): chr16:2,079,105, A>G. VCF-style: chr16-2079105-A-G. GRCh37 (hg19) VCF-style: chr16-2129106-A-G.
Other names: c.3040A>G (NM_000548.3); c.2908A>G, p.Ser970Gly (NM_001077183.3, NM_001370404.1); c.3040A>G, p.Ser1014Gly (NM_001114382.3); c.2800A>G, p.Ser934Gly (NM_001318827.2); c.2764A>G, p.Ser922Gly (NM_001318829.2); c.2308A>G, p.Ser770Gly (NM_001318831.2); c.2941A>G, p.Ser981Gly (NM_001318832.2); c.2911A>G, p.Ser971Gly (NM_001363528.2, NM_001370405.1, NM_021055.3); short protein forms S1014G, S770G, S922G, S934G, S970G, S971G, S981G.
Identifiers: ClinVar variation 1335196 (VCV001335196.39), dbSNP rs1163007321, ClinGen allele CA394284167.